The following is an entry in ClinVar:

NM_000135.4(FANCA):c.1942G>A (p.Glu648Lys)

Gene: FANCA (FA complementation group A; minus strand). Cytogenetic location: 16q24.3.
Variant type: single nucleotide variant.
Coding change: c.1942G>A on transcript NM_000135.4 (MANE Select); coding-DNA position 1942, G replaced by A.
Protein change: p.Glu648Lys; replaces glutamic acid 648 with lysine.
Molecular consequence: missense variant.
Genome position (GRCh38, 1-based): chr16:89,773,343, C>T on the plus strand (G>A on the coding strand, the complement: FANCA is on the minus strand). VCF-style: chr16-89773343-C-T. GRCh37 (hg19) VCF-style: chr16-89839751-C-T.
Other names: c.1942G>A, p.Glu648Lys (NM_001286167.3); c.1942G>A (NM_000135.2); short protein forms E648K.
Identifiers: ClinVar variation 1391568 (VCV001391568.6), dbSNP rs1427276212, ClinGen allele CA397450143.

ClinVar aggregate classification (germline): Uncertain significance. Review status: criteria provided, multiple submitters, no conflicts (2 of 4 stars). 4 submissions from 4 submitters: Uncertain significance (4). Last evaluated 2025-02-04.

Conditions:
Inborn genetic diseases. Identifiers: MedGen C0950123, MeSH D030342.
Fanconi anemia (FA). Also called: Fanconi's anemia. Identifiers: Orphanet 84, MedGen C0015625, MeSH D005199, MONDO:0019391.
Fanconi anemia complementation group A (FANCA). Also called: Fanconi anemia, group A; FANCA-Related Fanconi Anemia. Identifiers: Orphanet 84, MedGen C3469521, MONDO:0009215, OMIM 227650.

gnomAD v4.1: 5 of 1,551,602 alleles (0.00032%); highest among the groups gnomAD compares: Non-Finnish European, 0.00035%; no homozygotes.

Submissions (4):

Ambry Genetics
Classification: Uncertain significance for Inborn genetic diseases. Last evaluated: 2025-02-04. Review status: criteria provided, single submitter. Criteria: Ambry Variant Classification Scheme 2023. Collection method: clinical testing. Allele origin: germline.
Comment: The p.E648K variant (also known as c.1942G>A), located in coding exon 22 of the FANCA gene, results from a G to A substitution at nucleotide position 1942. The glutamic acid at codon 648 is replaced by lysine, an amino acid with similar properties. This amino acid position is conserved. In addition, this alteration is predicted to be tolerated by in silico analysis. Based on the available evidence, the clinical significance of this variant remains unclear.

Fulgent Genetics
Classification: Uncertain significance for Fanconi anemia complementation group A. Last evaluated: 2024-04-22. Review status: criteria provided, single submitter. Criteria: ACMG Guidelines, 2015. Collection method: clinical testing. Allele origin: germline.

Labcorp Genetics (formerly Invitae), Labcorp
Classification: Uncertain significance for Fanconi anemia. Last evaluated: 2022-08-09. Review status: criteria provided, single submitter. Criteria: Invitae Variant Classification Sherloc (09022015). Collection method: clinical testing. Allele origin: germline.
Comment: This sequence change replaces glutamic acid, which is acidic and polar, with lysine, which is basic and polar, at codon 648 of the FANCA protein (p.Glu648Lys). This variant is not present in population databases (gnomAD no frequency). This variant has not been reported in the literature in individuals affected with FANCA-related conditions. ClinVar contains an entry for this variant (Variation ID: 1391568). Advanced modeling of protein sequence and biophysical properties (such as structural, functional, and spatial information, amino acid conservation, physicochemical variation, residue mobility, and thermodynamic stability) performed at Invitae indicates that this missense variant is not expected to disrupt FANCA protein function. In summary, the available evidence is currently insufficient to determine the role of this variant in disease. Therefore, it has been classified as a Variant of Uncertain Significance.

Mendelics
Classification: Uncertain significance. Last evaluated: 2022-05-04. Review status: criteria provided, single submitter. Criteria: Mendelics Assertion Criteria 2019. Collection method: clinical testing. Allele origin: germline.